The following is an entry in ClinVar:

ClinVar aggregate classification (germline): Uncertain significance. Review status: criteria provided, multiple submitters, no conflicts (2 of 4 stars). 2 submissions from 2 submitters: Uncertain significance (2). Last evaluated 2026-08-03.

Conditions:
Long QT syndrome (LQTS). Identifiers: MedGen C0023976, MeSH D008133, MONDO:0002442. Disease mechanism: loss of function. Inheritance: Various modes of inheritance.
Cardiovascular phenotype. Identifiers: MedGen CN230736.

gnomAD v4.1: 1 of 1,614,092 alleles (0.000062%); highest among the groups gnomAD compares: African/African-American, 0.0013%; no homozygotes.

Submissions (2):

Ambry Genetics
Classification: Uncertain significance for Cardiovascular phenotype. Last evaluated: 2026-08-03. Review status: criteria provided, single submitter. Criteria: Ambry Variant Classification Scheme 2023. Collection method: clinical testing. Allele origin: germline.
Comment: The p.G983R variant (also known as c.2947G>C), located in coding exon 27 of the ANK2 gene, results from a G to C substitution at nucleotide position 2947. The glycine at codon 983 is replaced by arginine, an amino acid with dissimilar properties. This amino acid position is conserved. In addition, this alteration is predicted to be deleterious by in silico analysis. Based on the available evidence, the clinical significance of this variant remains unclear.

Labcorp Genetics (formerly Invitae), Labcorp
Classification: Uncertain significance for Long QT syndrome. Last evaluated: 2024-06-28. Review status: criteria provided, single submitter. Criteria: Invitae Variant Classification Sherloc (09022015). Collection method: clinical testing. Allele origin: germline.
Comment: This sequence change replaces glycine, which is neutral and non-polar, with arginine, which is basic and polar, at codon 983 of the ANK2 protein (p.Gly983Arg). This variant is not present in population databases (gnomAD no frequency). This variant has not been reported in the literature in individuals affected with ANK2-related conditions. Advanced modeling of protein sequence and biophysical properties (such as structural, functional, and spatial information, amino acid conservation, physicochemical variation, residue mobility, and thermodynamic stability) performed at Invitae indicates that this missense variant is not expected to disrupt ANK2 protein function with a negative predictive value of 80%. In summary, the available evidence is currently insufficient to determine the role of this variant in disease. Therefore, it has been classified as a Variant of Uncertain Significance.

NM_001148.6(ANK2):c.2947G>C (p.Gly983Arg)

Gene: ANK2 (ankyrin 2; plus strand). Cytogenetic location: 4q26.
Variant type: single nucleotide variant.
Coding change: c.2947G>C on transcript NM_001148.6 (MANE Select); coding-DNA position 2947, G replaced by C.
Protein change: p.Gly983Arg; replaces glycine 983 with arginine.
Molecular consequence: missense variant.
Genome position (GRCh38, 1-based): chr4:113,330,292, G>C. VCF-style: chr4-113330292-G-C. GRCh37 (hg19) VCF-style: chr4-114251448-G-C.
Other names: c.2983G>C, p.Gly995Arg (NM_001354232.2); c.2944G>C, p.Gly982Arg (NM_001354235.2, NM_001354236.2, NM_001354246.2 and 1 more transcripts); c.3025G>C, p.Gly1009Arg (NM_001354237.2, NM_001354230.2); c.2917G>C, p.Gly973Arg (NM_001354239.2, NM_001354252.2, NM_001354272.2); c.2992G>C, p.Gly998Arg (NM_001354240.2, NM_001354241.2, NM_001386144.1); c.2989G>C, p.Gly997Arg (NM_001354242.2, NM_001354231.2); c.2884G>C, p.Gly962Arg (NM_001354243.2, NM_001354245.2, NM_001354255.2 and 3 more transcripts); c.2881G>C, p.Gly961Arg (NM_001354244.2, NM_001386161.1, NM_001354256.2); and 23 more; short protein forms G1002R, G1022R, G1030R, G912R, G949R, G950R, G966R, G969R.
Identifiers: ClinVar variation 3714569 (VCV003714569.3).
Genomic context (GRCh38, chr4:113,330,292, plus strand): 5'-ATTTTAATTTTTAGTTTCCTGGTTAGTTTTATGGTGGATGCCCGAGGTGGTGCTATGCGA[G>C]GATGCAGACACAATGGGCTCCGAATCATTATTCCACCTCGGAAATGTACTGCTCCAACGC-3'
Protein context (NP_001139.3, residues 973-993): MVDARGGAMR[Gly983Arg]CRHNGLRIII